The following is an entry in ClinVar:

NM_000535.7(PMS2):c.1924del (p.Glu642fs)

Gene: PMS2 (PMS1 homolog 2, mismatch repair system component; minus strand). Cytogenetic location: 7p22.1.
Variant type: Deletion.
Coding change: c.1924del on transcript NM_000535.7 (MANE Select); coding-DNA position 1924, one base deleted (G; older notation c.1924delG).
Protein change: p.Glu642fs; shifts the reading frame from glutamic acid 642.
Molecular consequence: frameshift variant. On other transcripts: non-coding transcript variant (1).
Genome position (GRCh38, 1-based): chr7:5,986,841, C deleted on the plus strand (G on the coding strand, the reverse complement: PMS2 is on the minus strand); the first of 4 consecutive C bases (chr7:5,986,841-5,986,844); deleting any one gives the same sequence. VCF-style (leftmost placement, unchanged base first): chr7-5986840-TC-T. GRCh37 (hg19) VCF-style: chr7-6026471-TC-T.
Other names: c.1924del (NM_000535.6); c.1519del, p.Glu507fs (NM_001322003.2, NM_001322004.2, NM_001322005.2 and 1 more transcripts); c.1768del, p.Glu590fs (NM_001322006.2); c.1606del, p.Glu536fs (NM_001322007.2, NM_001322008.2); c.1363del, p.Glu455fs (NM_001322010.2); c.991del, p.Glu331fs (NM_001322011.2, NM_001322012.2); c.1351del, p.Glu451fs (NM_001322013.2); c.1924del, p.Glu642fs (NM_001322014.2); and 1 more; short protein forms E539fs, E590fs, E331fs, E451fs, E642fs, E455fs, E507fs, E536fs.
Identifiers: ClinVar variation 1404626 (VCV001404626.7), dbSNP rs2128721171, ClinGen allele CA2573141949.

ClinVar aggregate classification (germline): Pathogenic/Likely pathogenic. Review status: criteria provided, multiple submitters, no conflicts (2 of 4 stars). 3 submissions from 3 submitters: Pathogenic (2); Likely pathogenic (1). Last evaluated 2023-09-21.

Conditions:
Hereditary nonpolyposis colorectal neoplasms. Identifiers: MedGen C0009405, MeSH D003123.
Lynch syndrome 4 (LYNCH4). Also called: Hereditary non-polyposis colorectal cancer, type 4; Colorectal cancer, hereditary nonpolyposis, type 4. Identifiers: Orphanet 144, MedGen C1838333, MONDO:0013699, OMIM 614337. Disease mechanism: loss of function.

Submissions (3):

Myriad Genetics, Inc.
Classification: Pathogenic for Lynch syndrome 4. Last evaluated: 2023-09-21. Review status: criteria provided, single submitter. Criteria: Myriad Autosomal Dominant, Autosomal Recessive and X-Linked Classification Criteria (2023). Collection method: clinical testing. Allele origin: unknown.
Comment: This variant is considered pathogenic. This variant creates a frameshift predicted to result in premature protein truncation.

Quest Diagnostics Nichols Institute San Juan Capistrano
Classification: Likely pathogenic. Last evaluated: 2023-05-04. Review status: criteria provided, single submitter. Criteria: Quest Diagnostics criteria. Collection method: clinical testing. Allele origin: unknown.
Comment: This frameshift variant alters the translational reading frame of the PMS2 mRNA and is predicted to cause the premature termination of PMS2 protein synthesis. The variant has not been reported in individuals with PMS2-related diseases in the published literature. It also has not been reported in large, multi-ethnic general populations. Based on the available information, this variant is classified as likely pathogenic.

Labcorp Genetics (formerly Invitae), Labcorp
Classification: Pathogenic for Hereditary nonpolyposis colorectal neoplasms. Last evaluated: 2021-08-06. Review status: criteria provided, single submitter. Criteria: Invitae Variant Classification Sherloc (09022015). Collection method: clinical testing. Allele origin: germline.
Comment: This sequence change creates a premature translational stop signal (p.Glu642Asnfs*23) in the PMS2 gene. It is expected to result in an absent or disrupted protein product. Loss-of-function variants in PMS2 are known to be pathogenic (PMID: 21376568, 24362816). This variant is not present in population databases (ExAC no frequency). This variant has not been reported in the literature in individuals affected with PMS2-related conditions. For these reasons, this variant has been classified as Pathogenic.

Literature cited by the submitters: PubMed 21376568 (cited by Labcorp Genetics (formerly Invitae), Labcorp); PubMed 24362816 (cited by Labcorp Genetics (formerly Invitae), Labcorp).